The following is an entry in ClinVar:

ClinVar aggregate classification (germline): Likely pathogenic. Review status: criteria provided, multiple submitters, no conflicts (2 of 4 stars). 6 submissions from 6 submitters: Likely pathogenic (5). 1 of the submissions does not count toward it. Last evaluated 2026-03-03.

Conditions:
Medulloblastoma (MDB). Also called: MEDULLOBLASTOMA PREDISPOSITION SYNDROME; Medulloblastoma, somatic. Identifiers: Orphanet 616, MedGen C0025149, MeSH D008527, MONDO:0007959, OMIM 155255, HP:0002885.
Familial dysautonomia. Also called: FD; HSAN III. Identifiers: Orphanet 1764, MedGen C0013364, MONDO:0009131, OMIM 223900. Disease mechanism: loss of function.

Allele frequency attached by ClinVar (database versions not stated): gnomAD exomes 0.00001.
gnomAD v4.1: 8 of 1,608,960 alleles (0.0005%); highest among the groups gnomAD compares: Non-Finnish European, 0.00068%; no homozygotes.

Submissions (6):

Zero Childhood Cancer Program, Children's Cancer Institute
Classification: Likely pathogenic for Medulloblastoma. Last evaluated: 2026-03-03. Review status: criteria provided, single submitter. Criteria: Zero Childhood Cancer Program Assertion Criteria November2025. Collection method: research. Allele origin: germline. Inheritance: Autosomal dominant inheritance. Affected: yes.
Comment: The c.1512+1G>A variant in ELP1 occurs within the canonical splice donor site (+ 1) of intron 16 of 36. It is predicted to cause skipping of exon 16 of 37, resulting in a frameshift leading to nonsense mediated decay in a gene in which loss-of-function is an established disease mechanism (PVS1; PMID: 18303054, 32296180). This prediction is confirmed by RNA sequencing of the patient’s tumour sample which demonstrated that the variant impacts splicing leading to out-of-frame exon skipping of exon 16 (internal data). The computational splicing predictor SpliceAI gives a score of 0.98 for donor loss, predicting that the variant disrupts the donor splice site of intron 16 of ELP1. This variant is rare in gnomAD v4 (frequency of 0.00000549) (PM2_Supporting). There is a ClinVar entry for this variant (VCV000558407.8, 2 star review status) with three submitters classifying the variant as likely pathogenic. For these reasons, this variant has been classified as likely pathogenic.

Myriad Genetics, Inc.
Classification: Likely pathogenic for Familial dysautonomia. Last evaluated: 2026-02-05. Review status: criteria provided, single submitter. Criteria: Myriad Autosomal Dominant, Autosomal Recessive and X-Linked Classification Criteria (2023). Collection method: clinical testing. Allele origin: unknown.
Comment: NM_003640.3(ELP1):c.1854+1G>A is a variant in a canonical splice site classified as likely pathogenic in the context of familial dysautonomia. c.1854+1G>A has not been observed in cases with relevant disease. Relevant functional assessments of this variant are not available in the literature. c.1854+1G>A has not been observed in referenced population frequency databases. In summary, NM_003640.3(ELP1):c.1854+1G>A is a variant in a canonical splice site in a gene where loss of function is a known mechanism of disease and is predicted to disrupt protein function. Please note: this variant was assessed in the context of healthy population screening.

Natera, Inc.
Classification: Likely pathogenic for Familial dysautonomia. Last evaluated: 2025-10-20. Review status: criteria provided, single submitter. Criteria: Natera Variant Classification Schema (03/2026). Collection method: clinical testing. Allele origin: germline.
Comment: The c.1854+1G>A variant in ELP1 is a canonical splice donor site variant predicted to affect pre-mRNA splicing, which may result in an abnormal transcript and altered protein product. This variant is expected to result in nonsense mediated decay, truncation, or a dysfunctional protein product. This variant is rare in the general population with a frequency below the threshold expected for the associated phenotype(s). Given the available evidence, this variant is classified as Likely Pathogenic.

Fulgent Genetics
Classification: Likely pathogenic for Medulloblastoma; Familial dysautonomia. Last evaluated: 2024-03-14. Review status: criteria provided, single submitter. Criteria: ACMG Guidelines, 2015. Collection method: clinical testing. Allele origin: germline.

Labcorp Genetics (formerly Invitae), Labcorp
Classification: Likely pathogenic. Last evaluated: 2024-01-16. Review status: criteria provided, single submitter. Criteria: Invitae Variant Classification Sherloc (09022015). Collection method: clinical testing. Allele origin: germline.
Comment: This sequence change affects a donor splice site in intron 16 of the ELP1 gene. It is expected to disrupt RNA splicing. Variants that disrupt the donor or acceptor splice site typically lead to a loss of protein function (PMID: 16199547), and loss-of-function variants in ELP1 are known to be pathogenic (PMID: 18303054, 24173031). This variant is not present in population databases (gnomAD no frequency). This variant has not been reported in the literature in individuals affected with ELP1-related conditions. ClinVar contains an entry for this variant (Variation ID: 558407). Algorithms developed to predict the effect of sequence changes on RNA splicing suggest that this variant may disrupt the consensus splice site. In summary, the currently available evidence indicates that the variant is pathogenic, but additional data are needed to prove that conclusively. Therefore, this variant has been classified as Likely Pathogenic.

Counsyl
Classification: Likely pathogenic for Familial dysautonomia. Last evaluated: 2018-05-21. Review status: no assertion criteria provided. Collection method: clinical testing. Allele origin: unknown. Not counted in ClinVar's aggregate classification.

Literature cited by the submitters: PubMed 18303054 (cited by Zero Childhood Cancer Program, Children's Cancer Institute and Labcorp Genetics (formerly Invitae), Labcorp); PubMed 32296180 (cited by Zero Childhood Cancer Program, Children's Cancer Institute); PubMed 16199547 (cited by Labcorp Genetics (formerly Invitae), Labcorp); PubMed 24173031 (cited by Labcorp Genetics (formerly Invitae), Labcorp).

NM_003640.5(ELP1):c.1854+1G>A

Gene: ELP1 (elongator acetyltransferase complex subunit 1; minus strand). Cytogenetic location: 9q31.3.
Variant type: single nucleotide variant.
Coding change: c.1854+1G>A on transcript NM_003640.5 (MANE Select); the canonical splice donor site of the intron after coding-DNA position 1854, G replaced by A.
Molecular consequence: splice donor variant.
Genome position (GRCh38, 1-based): chr9:108,902,838, C>T on the plus strand (G>A on the coding strand, the complement: ELP1 is on the minus strand). VCF-style: chr9-108902838-C-T. GRCh37 (hg19) VCF-style: chr9-111665118-C-T.
Other names: c.1512+1G>A (NM_001318360.2); c.807+1G>A (NM_001330749.2); c.1854+1G>A (NM_003640.4).
Identifiers: ClinVar variation 558407 (VCV000558407.11), dbSNP rs1554696934, ClinGen allele CA374425427.